The following is an entry in ClinVar:

ClinVar aggregate classification (germline): Uncertain significance (1 of 4 stars; one submission).

Conditions:
Hypophosphatasia. Also called: Phosphoethanol-aminuria. Identifiers: Orphanet 436, MedGen C0020630, MeSH D007014, MONDO:0018570.

Submission:

Genomenon, Inc
Classification: Uncertain significance for Hypophosphatasia. Last evaluated: 2026-09-01. Review status: criteria provided, single submitter. Criteria: Genomenon Sequence Variant Interpretation Standards - Updated. Collection method: curation. Allele origin: germline. Affected: no.
Comment: ALPL p.Gln106Arg (c.317A>G) is a missense variant that changes the amino acid at codon 106 from Glutamine to Arginine. This variant has been reported in the published literature (PMID:32066479). It is absent or not present at a significant frequency in gnomAD. In silico models predict that this variant is possibly or probably damaging. In conclusion, we classify ALPL p.Gln106Arg (c.317A>G) as a variant of uncertain significance.

Literature cited by the submitters: PubMed 32066479.

NM_000478.6(ALPL):c.317A>G (p.Gln106Arg)

Gene: ALPL (alkaline phosphatase, biomineralization associated; plus strand). Cytogenetic location: 1p36.12.
Variant type: single nucleotide variant.
Coding change: c.317A>G on transcript NM_000478.6 (MANE Select); coding-DNA position 317, A replaced by G.
Protein change: p.Gln106Arg; replaces glutamine 106 with arginine.
Molecular consequence: missense variant.
Genome position (GRCh38, 1-based): chr1:21,563,129, A>G. VCF-style: chr1-21563129-A-G. GRCh37 (hg19) VCF-style: chr1-21889622-A-G.
Other names: c.152A>G, p.Gln51Arg (NM_001127501.4); c.86A>G, p.Gln29Arg (NM_001177520.3); c.317A>G, p.Gln106Arg (NM_001369803.2, NM_001369804.2, NM_001369805.2); short protein forms Q106R, Q29R, Q51R.
Identifiers: ClinVar variation 4086794 (VCV004086794.2).